The following is an entry in ClinVar:

NM_004525.3(LRP2):c.10928C>T (p.Ala3643Val)

Gene: LRP2 (LDL receptor related protein 2; minus strand). Cytogenetic location: 2q31.1.
Variant type: single nucleotide variant.
Coding change: c.10928C>T on transcript NM_004525.3 (MANE Select); coding-DNA position 10928, C replaced by T.
Protein change: p.Ala3643Val; replaces alanine 3643 with valine.
Molecular consequence: missense variant.
Genome position (GRCh38, 1-based): chr2:169,174,005, G>A on the plus strand (C>T on the coding strand, the complement: LRP2 is on the minus strand). VCF-style: chr2-169174005-G-A. GRCh37 (hg19) VCF-style: chr2-170030515-G-A.
Other names: short protein forms A3643V.
Identifiers: ClinVar variation 2041088 (VCV002041088.2), dbSNP rs1342176171, ClinGen allele CA349144646.
Genomic context (GRCh38, chr2:169,174,005, plus strand): 5'-TGGTCTCCACAATCATTATCCACATCACACTTCCAGGCCTGCGGGATGCAGCGGCCATTA[G>A]CACACCGAAACTGGCCCGGCCGGCAGGTCCTGCTGGCACAGTGGGAACTGTCTTCATCTG-3'
Protein context (NP_004516.2, residues 3633-3653): RTCRPGQFRC[Ala3643Val]NGRCIPQAWK

ClinVar aggregate classification (germline): Uncertain significance. Review status: criteria provided, multiple submitters, no conflicts (2 of 4 stars). 2 submissions from 2 submitters: Uncertain significance (2). Last evaluated 2024-05-11.

Conditions:
Donnai-Barrow syndrome. Also called: DBS/FOAR SYNDROME; FACIOOCULOACOUSTICORENAL SYNDROME. Identifiers: Orphanet 2143, MedGen C1857277, MONDO:0009104, OMIM 222448.

gnomAD v4.1: 4 of 1,614,200 alleles (0.00025%); highest among the groups gnomAD compares: Admixed American, 0.005%; no homozygotes.

Submissions (2):

Fulgent Genetics
Classification: Uncertain significance for Donnai-Barrow syndrome. Last evaluated: 2024-05-11. Review status: criteria provided, single submitter. Criteria: ACMG Guidelines, 2015. Collection method: clinical testing. Allele origin: germline.

Labcorp Genetics (formerly Invitae), Labcorp
Classification: Uncertain significance. Last evaluated: 2021-12-12. Review status: criteria provided, single submitter. Criteria: Invitae Variant Classification Sherloc (09022015). Collection method: clinical testing. Allele origin: germline.
Comment: This sequence change replaces alanine, which is neutral and non-polar, with valine, which is neutral and non-polar, at codon 3643 of the LRP2 protein (p.Ala3643Val). This variant is present in population databases (no rsID available, gnomAD 0.009%). This variant has not been reported in the literature in individuals affected with LRP2-related conditions. Advanced modeling of protein sequence and biophysical properties (such as structural, functional, and spatial information, amino acid conservation, physicochemical variation, residue mobility, and thermodynamic stability) performed at Invitae indicates that this missense variant is not expected to disrupt LRP2 protein function. In summary, the available evidence is currently insufficient to determine the role of this variant in disease. Therefore, it has been classified as a Variant of Uncertain Significance.